The following is an entry in ClinVar:

ClinVar aggregate classification (germline): Uncertain significance (1 of 4 stars; one submission).

Conditions:
Complex cortical dysplasia with other brain malformations 3. Identifiers: MedGen C3809414, MONDO:0014170, OMIM 615411.

Submission:

Centre for Mendelian Genomics, University Medical Centre Ljubljana
Classification: Uncertain significance for Complex cortical dysplasia with other brain malformations 3. Last evaluated: 2019-08-16. Review status: criteria provided, single submitter. Criteria: ACMG Guidelines, 2015. Collection method: clinical testing. Allele origin: unknown. Affected: yes.
Comment: This variant was classified as: Uncertain significance. The available evidence on this variant's pathogenicity is insufficient or conflicting. The following ACMG criteria were applied in classifying this variant: PM2.

NM_001098511.3(KIF2A):c.82A>G (p.Met28Val)

Gene: KIF2A (kinesin family member 2A; plus strand). Cytogenetic location: 5q12.1.
Variant type: single nucleotide variant.
Coding change: c.82A>G on transcript NM_001098511.3 (MANE Select); coding-DNA position 82, A replaced by G.
Protein change: p.Met28Val; replaces methionine 28 with valine.
Molecular consequence: missense variant. On other transcripts: initiator codon variant (1).
Genome position (GRCh38, 1-based): chr5:62,347,147, A>G. VCF-style: chr5-62347147-A-G. GRCh37 (hg19) VCF-style: chr5-61642974-A-G.
Other names: c.1A>G, p.Met1Val (NM_001243952.2); c.82A>G, p.Met28Val (NM_001243953.2, NM_004520.5); short protein forms M1V, M28V.
Identifiers: ClinVar variation 930378 (VCV000930378.4), dbSNP rs1747612077, ClinGen allele CA359948194.